The following is an entry in ClinVar:

ClinVar aggregate classification (germline): Conflicting classifications of pathogenicity. Review status: criteria provided, conflicting classifications (1 of 4 stars). 3 submissions from 3 submitters: Uncertain significance (2); Likely benign (1). Last evaluated 2026-01-27.

Conditions:
Hypercholesterolemia, autosomal dominant, type B (FHCL2). Also called: Hyperlipoproteinemia Type IIb; Familial hypercholesterolemia 2; APOB-Related Familial Hypercholesterolemia, Autosomal Dominant; Familial Hypercholesterolemia Type B; APOLIPOPROTEIN B-100, FAMILIAL DEFECTIVE; APOLIPOPROTEIN B-100, FAMILIAL LIGAND-DEFECTIVE. Identifiers: MedGen C1704417, MONDO:0007751, OMIM 144010.
Familial hypobetalipoproteinemia 1. Also called: Hypobetalipoproteinemia, normotriglyceridemic; Acanthocytosis with hypobetalipoproteinemia; APOB-Related Familial Hypobetalipoproteinemia. Identifiers: MedGen C4551990, MONDO:0014252, OMIM 615558.
Familial hypercholesterolemia. Also called: Familial hypercholesterolemias; Familial hypercholesterolaemia. Identifiers: MedGen C0020445, MONDO:0005439.

Allele frequency attached by ClinVar (database versions not stated): TOPMed 0.00004; ExAC 0.00005; gnomAD 0.00005; gnomAD exomes 0.00002 and 0.00003.
gnomAD v4.1: 54 of 1,613,928 alleles (0.0033%); highest among the groups gnomAD compares: Non-Finnish European, 0.0042%; no homozygotes.

Submissions (3):

Labcorp Genetics (formerly Invitae), Labcorp
Classification: Likely benign for Familial hypobetalipoproteinemia 1; Hypercholesterolemia, autosomal dominant, type B. Last evaluated: 2026-01-27. Review status: criteria provided, single submitter. Criteria: Invitae Variant Classification Sherloc (09022015). Collection method: clinical testing. Allele origin: germline.

Cambridge Genomics Laboratory, East Genomic Laboratory Hub, NHS Genomic Medicine Service
Classification: Uncertain significance for Familial hypercholesterolaemia. Last evaluated: 2025-07-16. Review status: criteria provided, single submitter. Criteria: ACGS Best Practice Guidelines for Variant Classification in Rare Disease 2020. Collection method: clinical testing. Allele origin: germline. Affected: yes.
Comment: BP4

Fulgent Genetics
Classification: Uncertain significance for Hypercholesterolemia, autosomal dominant, type B; Familial hypobetalipoproteinemia 1. Last evaluated: 2021-08-23. Review status: criteria provided, single submitter. Criteria: ACMG Guidelines, 2015. Collection method: clinical testing. Allele origin: unknown.

NM_000384.3(APOB):c.7336G>A (p.Val2446Met)

Gene: APOB (apolipoprotein B; minus strand). Cytogenetic location: 2p24.1.
Variant type: single nucleotide variant.
Coding change: c.7336G>A on transcript NM_000384.3 (MANE Select); coding-DNA position 7336, G replaced by A.
Protein change: p.Val2446Met; replaces valine 2446 with methionine.
Molecular consequence: missense variant.
Genome position (GRCh38, 1-based): chr2:21,009,532, C>T on the plus strand (G>A on the coding strand, the complement: APOB is on the minus strand). VCF-style: chr2-21009532-C-T. GRCh37 (hg19) VCF-style: chr2-21232404-C-T.
Other names: short protein forms V2446M.
Identifiers: ClinVar variation 808685 (VCV000808685.19), dbSNP rs777259835, ClinGen allele CA064314.